The following is an entry in ClinVar:

NM_152618.3(BBS12):c.1237C>G (p.Leu413Val)

Gene: BBS12 (Bardet-Biedl syndrome 12; plus strand). Cytogenetic location: 4q27.
Variant type: single nucleotide variant.
Coding change: c.1237C>G on transcript NM_152618.3 (MANE Select); coding-DNA position 1237, C replaced by G.
Protein change: p.Leu413Val; replaces leucine 413 with valine.
Molecular consequence: missense variant.
Genome position (GRCh38, 1-based): chr4:122,743,129, C>G. VCF-style: chr4-122743129-C-G. GRCh37 (hg19) VCF-style: chr4-123664284-C-G.
Other names: c.1237C>G, p.Leu413Val (NM_001178007.2); short protein forms L413V.
Identifiers: ClinVar variation 444641 (VCV000444641.59), dbSNP rs758217005, ClinGen allele CA3069405.

ClinVar aggregate classification (germline): Conflicting classifications of pathogenicity. Review status: criteria provided, conflicting classifications (1 of 4 stars). 9 submissions from 9 submitters: Pathogenic (2); Likely pathogenic (2); Uncertain significance (3). 2 of the submissions do not count toward it. Last evaluated 2025-12-10.

Conditions:
Bardet-Biedl syndrome (BBS). Identifiers: Orphanet 110, MedGen C0752166, MONDO:0015229.
Bardet-Biedl syndrome 12 (BBS12). Identifiers: Orphanet 110, MedGen C1859570, MONDO:0014440, OMIM 615989.
BBS12-related disorder. Also called: BBS12-related condition.

Allele frequency attached by ClinVar (database versions not stated): ExAC 0.00003; gnomAD exomes 0.00004 and 0.00006; TOPMed 0.00007; gnomAD 0.00011 and 0.00012.
gnomAD v4.1: 104 of 1,614,102 alleles (0.0064%); highest among the groups gnomAD compares: Non-Finnish European, 0.0086%; no homozygotes.

Submissions (9):

Labcorp Genetics (formerly Invitae), Labcorp
Classification: Pathogenic for Bardet-Biedl syndrome. Last evaluated: 2025-12-10. Review status: criteria provided, single submitter. Criteria: Invitae Variant Classification Sherloc (09022015). Collection method: clinical testing. Allele origin: germline.
Comment: This sequence change replaces leucine, which is neutral and non-polar, with valine, which is neutral and non-polar, at codon 413 of the BBS12 protein (p.Leu413Val). This variant is present in population databases (rs758217005, gnomAD 0.009%). This missense change has been observed in individual(s) with clinical features of Bardet-Biedl syndrome (internal data). ClinVar contains an entry for this variant (Variation ID: 444641). Invitae Evidence Modeling of protein sequence and biophysical properties (such as structural, functional, and spatial information, amino acid conservation, physicochemical variation, residue mobility, and thermodynamic stability) indicates that this missense variant is expected to disrupt BBS12 protein function with a positive predictive value of 80%. For these reasons, this variant has been classified as Pathogenic.

Myriad Genetics, Inc.
Classification: Uncertain significance for Bardet-Biedl syndrome 12. Last evaluated: 2025-08-01. Review status: criteria provided, single submitter. Criteria: Myriad Autosomal Dominant, Autosomal Recessive and X-Linked Classification Criteria (2023). Collection method: clinical testing. Allele origin: unknown.
Comment: NM_152618.2(BBS12):c.1237C>G(L413V) is a missense variant classified as a variant of uncertain significance in the context of Bardet-Biedl syndrome, BBS12-related. L413V has been observed in cases with relevant disease (PMID: 32531858, 35886001, 33046855, 27145477). Relevant functional assessments of this variant are not available in the literature. L413V has been observed in referenced population frequency databases. In summary, there is insufficient evidence to classify NM_152618.2(BBS12):c.1237C>G(L413V) as pathogenic or benign. Please note: this variant was assessed in the context of healthy population screening.

Greenwood Genetic Center Diagnostic Laboratories, Greenwood Genetic Center
Classification: Uncertain significance. Last evaluated: 2025-06-12. Review status: criteria provided, single submitter. Criteria: ACMG Guidelines, 2015. Collection method: clinical testing. Allele origin: germline. Affected: yes.
Comment: PM2, PM3_Supporting

Women's Health and Genetics/Laboratory Corporation of America, LabCorp
Classification: Likely pathogenic for Bardet-Biedl syndrome. Last evaluated: 2025-05-23. Review status: criteria provided, single submitter. Criteria: LabCorp Variant Classification Summary - May 2015. Collection method: clinical testing. Allele origin: germline.
Comment: Variant summary: BBS12 c.1237C>G (p.Leu413Val) results in a conservative amino acid change in the encoded protein sequence. Algorithms developed to predict the effect of missense changes on protein structure and function are either unavailable or do not agree on the potential impact of this missense change. The variant allele was found at a frequency of 4e-05 in 251464 control chromosomes. This frequency is not significantly higher than estimated for a pathogenic variant in BBS12 causing Bardet-Biedl Syndrome (4e-05 vs 0.00076), allowing no conclusion about variant significance. c.1237C>G has been observed in individuals affected with Bardet-Biedl Syndrome or reported to have conditions associated with the disorder (i.e., retinitis pigmentosa) (e.g., Nasser_2022, Weisschuh_2020, internal data). These data indicate that the variant is likely to be associated with disease. To our knowledge, no experimental evidence demonstrating an impact on protein function has been reported. The following publications have been ascertained in the context of this evaluation (PMID: 35886001, 32531858). ClinVar contains an entry for this variant (Variation ID: 444641). Based on the evidence outlined above, the variant was classified as likely pathogenic.

Blueprint Genetics
Classification: Likely pathogenic for BBS12-related disorders. Last evaluated: 2024-11-06. Review status: criteria provided, single submitter. Criteria: ACMG Guidelines, 2015. Collection method: clinical testing. Allele origin: germline. Affected: yes. Observed: 5 variant alleles.

Molecular Genetics Laboratory, Institute for Ophthalmic Research
Classification: Pathogenic for Bardet-Biedl syndrome. Last evaluated: 2020-01-09. Review status: criteria provided, single submitter. Criteria: ACMG Guidelines, 2015. Collection method: research. Allele origin: germline. Affected: yes.

CeGaT Center for Human Genetics Tuebingen
Classification: Uncertain significance. Last evaluated: 2017-03-01. Review status: criteria provided, single submitter. Criteria: CeGaT Center For Human Genetics Tuebingen Variant Classification Criteria Version 2. Collection method: clinical testing. Allele origin: germline. Affected: yes. Observed: 1 variant allele.

PreventionGenetics, part of Exact Sciences
Classification: Uncertain significance for BBS12-related condition. Last evaluated: 2024-09-24. Review status: no assertion criteria provided. Collection method: clinical testing. Allele origin: germline. Not counted in ClinVar's aggregate classification.
Comment: The BBS12 c.1237C>G variant is predicted to result in the amino acid substitution p.Leu413Val. This variant was reported along with a BBS12 protein truncating variant in an individual from an inherited retinal degeneration cohort (Table S2, Weisschuh et al. 2020. PubMed ID: 32531858). This variant was also documented in an individual with retinitis pigmentosa; however, this individual also carried additional variants in a retinitis pigmentosa-associated gene (Sun et al. 2016. PubMed ID: 27145477). This variant is reported in 0.0093% of alleles in individuals of European (Non-Finnish) descent in gnomAD. At this time, the clinical significance of this variant is uncertain due to the absence of conclusive functional and genetic evidence.

Natera, Inc.
Classification: Uncertain significance for Bardet-Biedl syndrome type 12. Last evaluated: 2019-10-28. Review status: no assertion criteria provided. Collection method: clinical testing. Allele origin: germline. Not counted in ClinVar's aggregate classification.

Literature cited by the submitters: PubMed 27145477 (cited by Myriad Genetics, Inc.); PubMed 32531858 (cited by Myriad Genetics, Inc. and Women's Health and Genetics/Laboratory Corporation of America, LabCorp); PubMed 33046855 (cited by Myriad Genetics, Inc.); PubMed 35886001 (cited by Myriad Genetics, Inc. and Women's Health and Genetics/Laboratory Corporation of America, LabCorp).